The following is an entry in ClinVar:

ClinVar aggregate classification (germline): Benign (1 of 4 stars; one submission).

Allele frequency attached by ClinVar (database versions not stated): gnomAD exomes 0.03863 and 0.04504; gnomAD 0.05612 and 0.05945; ExAC 0.05944; 1000 Genomes Project 30x 0.09354.

Submission:

GeneDx
Classification: Benign. Last evaluated: 2018-06-14. Review status: criteria provided, single submitter. Criteria: GeneDx Variant Classification (06012015). Collection method: clinical testing. Allele origin: germline. Affected: yes.
Comment: This variant is considered likely benign or benign based on one or more of the following criteria: it is a conservative change, it occurs at a poorly conserved position in the protein, it is predicted to be benign by multiple in silico algorithms, and/or has population frequency not consistent with disease.

NM_001267550.2(TTN):c.45349+26_45349+35del

Genes: TTN (titin; minus strand), LOC126806427 (BRD4-independent group 4 enhancer GRCh37_chr2:179485777-179486976; plus strand). Cytogenetic location: 2q31.2.
Variant type: Deletion.
Coding change: c.45349+26_45349+35del on transcript NM_001267550.2 (MANE Select); bases 26 to 35 of the intron after coding-DNA position 45349, 10 bases deleted (TTTATTTCTA; older notation c.45349+26_45349+35delTTTATTTCTA).
Molecular consequence: intron variant.
Genome position (GRCh38, 1-based): chr2:178,621,440-178,621,449, TAGAAATAAA deleted on the plus strand (TTTATTTCTA on the coding strand, the reverse complement: TTN is on the minus strand). VCF-style (leftmost placement, unchanged base first): chr2-178621439-TTAGAAATAAA-T. GRCh37 (hg19) VCF-style: chr2-179486166-TTAGAAATAAA-T.
Other names: c.18154+26_18154+35del (NM_003319.4); c.18730+26_18730+35del (NM_133437.4); c.18529+26_18529+35del (NM_133432.3); c.37645+26_37645+35del (NM_133378.4); c.40426+26_40426+35del (NM_001256850.1); c.40426+26_40426+35delTTTATTTCTA (NM_001256850.1).
Identifiers: ClinVar variation 671331 (VCV000671331.1), dbSNP rs762765150, ClinGen allele CA1995448.
Genomic context (GRCh38, chr2:178,621,439, plus strand): 5'-AAAGTTACAAGATATTAGAAACATATGTCTTTGTACTTTAAATCTAGCAAGTGTGAATTG[TTAGAAATAAA>T]AGATTATTCACTGTAGTTTTCATACCATGTACTTTGACTTTGCCATCGGTTCGAGAGCTT-3'